The following is an entry in ClinVar:

ClinVar aggregate classification (germline): Uncertain significance (1 of 4 stars; one submission).

Conditions:
Ullrich congenital muscular dystrophy 2 (UCMD2). Identifiers: Orphanet 75840, MedGen C4225314, MONDO:0014654, OMIM 616470.
Bethlem myopathy 2 (BTHLM2). Identifiers: Orphanet 536516, Orphanet 610, MedGen C4225313, MONDO:0034022, OMIM 616471.

Submission:

Labcorp Genetics (formerly Invitae), Labcorp
Classification: Uncertain significance for Bethlem myopathy 2; Ullrich congenital muscular dystrophy 2. Last evaluated: 2025-09-20. Review status: criteria provided, single submitter. Criteria: Invitae Variant Classification Sherloc (09022015). Collection method: clinical testing. Allele origin: germline.
Comment: This sequence change replaces isoleucine, which is neutral and non-polar, with phenylalanine, which is neutral and non-polar, at codon 1335 of the COL12A1 protein (p.Ile1335Phe). This variant is not present in population databases (gnomAD no frequency). This variant has not been reported in the literature in individuals affected with COL12A1-related conditions. ClinVar contains an entry for this variant (Variation ID: 475864). An algorithm developed to predict the effect of missense changes on protein structure and function (PolyPhen-2) suggests that this variant is likely to be disruptive. In summary, the available evidence is currently insufficient to determine the role of this variant in disease. Therefore, it has been classified as a Variant of Uncertain Significance.

NM_004370.6(COL12A1):c.4003A>T (p.Ile1335Phe)

Gene: COL12A1 (collagen type XII alpha 1 chain; minus strand). Cytogenetic location: 6q13.
Variant type: single nucleotide variant.
Coding change: c.4003A>T on transcript NM_004370.6 (MANE Select); coding-DNA position 4003, A replaced by T.
Protein change: p.Ile1335Phe; replaces isoleucine 1335 with phenylalanine.
Molecular consequence: missense variant.
Genome position (GRCh38, 1-based): chr6:75,151,285, T>A on the plus strand (A>T on the coding strand, the complement: COL12A1 is on the minus strand). VCF-style: chr6-75151285-T-A. GRCh37 (hg19) VCF-style: chr6-75861001-T-A.
Other names: c.511A>T, p.Ile171Phe (NM_080645.3); short protein forms I1335F, I171F.
Identifiers: ClinVar variation 475864 (VCV000475864.9), dbSNP rs1554182853, ClinGen allele CA364747374.